The following is an entry in ClinVar:

NM_007325.5(GRIA3):c.937G>A (p.Ala313Thr)

Gene: GRIA3 (glutamate ionotropic receptor AMPA type subunit 3; plus strand). Cytogenetic location: Xq25.
Variant type: single nucleotide variant.
Coding change: c.937G>A on transcript NM_007325.5 (MANE Select); coding-DNA position 937, G replaced by A.
Protein change: p.Ala313Thr; replaces alanine 313 with threonine.
Molecular consequence: missense variant.
Genome position (GRCh38, 1-based): chrX:123,398,660, G>A. VCF-style: chrX-123398660-G-A. GRCh37 (hg19) VCF-style: chrX-122532511-G-A.
Other names: c.937G>A, p.Ala313Thr (NM_000828.5); c.937G>A (NM_000828.4); short protein forms A313T.
Identifiers: ClinVar variation 2777308 (VCV002777308.5), dbSNP rs2045427408, ClinGen allele CA414258040.

ClinVar aggregate classification (germline): Uncertain significance. Review status: criteria provided, multiple submitters, no conflicts (2 of 4 stars). 2 submissions from 2 submitters: Uncertain significance (2). Last evaluated 2026-10-06.

Allele frequency attached by ClinVar (database versions not stated): gnomAD exomes below 0.00001.

Submissions (2):

GeneDx
Classification: Uncertain significance. Last evaluated: 2026-10-06. Review status: criteria provided, single submitter. Criteria: GeneDx Variant Classification Process June 2021. Collection method: clinical testing. Allele origin: germline.
Comment: In silico analysis supports that this missense variant has a deleterious effect on protein structure/function; Has not been previously published as pathogenic or benign to our knowledge; Not observed at significant frequency in large population cohorts (gnomAD)

Labcorp Genetics (formerly Invitae), Labcorp
Classification: Uncertain significance. Last evaluated: 2023-05-03. Review status: criteria provided, single submitter. Criteria: Invitae Variant Classification Sherloc (09022015). Collection method: clinical testing. Allele origin: germline.
Comment: In summary, the available evidence is currently insufficient to determine the role of this variant in disease. Therefore, it has been classified as a Variant of Uncertain Significance. Advanced modeling of protein sequence and biophysical properties (such as structural, functional, and spatial information, amino acid conservation, physicochemical variation, residue mobility, and thermodynamic stability) performed at Invitae indicates that this missense variant is not expected to disrupt GRIA3 protein function. This variant has not been reported in the literature in individuals affected with GRIA3-related conditions. This variant is not present in population databases (gnomAD no frequency). This sequence change replaces alanine, which is neutral and non-polar, with threonine, which is neutral and polar, at codon 313 of the GRIA3 protein (p.Ala313Thr).